The following is an entry in ClinVar:

ClinVar aggregate classification (germline): Uncertain significance (1 of 4 stars; one submission).

Submission:

Labcorp Genetics (formerly Invitae), Labcorp
Classification: Uncertain significance. Last evaluated: 2025-03-07. Review status: criteria provided, single submitter. Criteria: Invitae Variant Classification Sherloc (09022015). Collection method: clinical testing. Allele origin: germline.
Comment: This sequence change replaces aspartic acid, which is acidic and polar, with glycine, which is neutral and non-polar, at codon 1673 of the SPTBN2 protein (p.Asp1673Gly). This variant is not present in population databases (gnomAD no frequency). This variant has not been reported in the literature in individuals affected with SPTBN2-related conditions. Invitae Evidence Modeling of protein sequence and biophysical properties (such as structural, functional, and spatial information, amino acid conservation, physicochemical variation, residue mobility, and thermodynamic stability) indicates that this missense variant is expected to disrupt SPTBN2 protein function with a positive predictive value of 80%. In summary, the available evidence is currently insufficient to determine the role of this variant in disease. Therefore, it has been classified as a Variant of Uncertain Significance.

NM_006946.4(SPTBN2):c.5018A>G (p.Asp1673Gly)

Gene: SPTBN2 (spectrin beta, non-erythrocytic 2; minus strand). Cytogenetic location: 11q13.2.
Variant type: single nucleotide variant.
Coding change: c.5018A>G on transcript NM_006946.4 (MANE Select); coding-DNA position 5018, A replaced by G.
Protein change: p.Asp1673Gly; replaces aspartic acid 1673 with glycine.
Molecular consequence: missense variant.
Genome position (GRCh38, 1-based): chr11:66,692,708, T>C on the plus strand (A>G on the coding strand, the complement: SPTBN2 is on the minus strand). VCF-style: chr11-66692708-T-C. GRCh37 (hg19) VCF-style: chr11-66460179-T-C.
Other names: c.5039A>G, p.Asp1680Gly (NM_001411025.1); c.5018A>G, p.Asp1673Gly (NM_001437541.1); short protein forms D1673G, D1680G.
Identifiers: ClinVar variation 4809032 (VCV004809032.1).